The following is an entry in ClinVar:

ClinVar aggregate classification (germline): Likely pathogenic (3 of 4 stars; one submission).

Conditions:
GUCY2D-related recessive retinopathy. Also called: Recessive GUCY2D retinopathy. Identifiers: MedGen CN305603, MONDO:0100453.

Submission:

ClinGen Leber Congenital Amaurosis/early Onset Retinal Dystrophy Variant Curation Expert Panel, ClinGen
Classification: Likely pathogenic for GUCY2D-related recessive retinopathy. Last evaluated: 2025-01-31. Review status: reviewed by expert panel. Criteria: ClinGen LCAeoRD ACMG Specifications GUCY2D V1.0.0. Collection method: curation. Allele origin: germline. Inheritance: Autosomal recessive inheritance.
Comment: The NM_000180.4(GUCY2D):c.82dup (p.Arg28Profs*291) variant is a frameshift variant that introduces a premature stop codon into exon 2 of 20 and is predicted to lead to nonsense-mediated decay in a gene in which loss-of-function is an established mechanism of disease (PVS1). This variant is absent from gnomAD v4.1.0 (PM2_Supporting). This variant has been reported in at least 1 proband with early-onset severe retinal dystrophy who harbored the variant in the compound heterozygous state (PMID: 26027050). However, the proband was not counted for this criterion because p.Arg768Gln, the other variant in trans, has not yet been classified by the LCA/eoRD VCEP. In summary, this variant meets the criteria to be classified as Pathogenic for GUCY2D-related recessive retinopathy based on the ACMG/AMP criteria applied, as specified by the ClinGen LCA/eoRD VCEP: PVS1, PM2_supporting. (VCEP specifications version 1.0.0; date of approval 01/22/2025).

NM_000180.4(GUCY2D):c.82dup (p.Arg28fs)

Gene: GUCY2D (guanylate cyclase 2D, retinal; plus strand). Cytogenetic location: 17p13.1.
Variant type: Duplication.
Coding change: c.82dup on transcript NM_000180.4 (MANE Select); coding-DNA position 82, one base duplicated (C; older notation c.82dupC).
Protein change: p.Arg28fs; shifts the reading frame from arginine 28.
Molecular consequence: frameshift variant.
Genome position (GRCh38, 1-based): chr17:8,003,129, C duplicated; the last of 4 consecutive C bases (chr17:8,003,126-8,003,129); duplicating any one gives the same sequence. VCF-style (leftmost placement, unchanged base first): chr17-8003125-G-GC. GRCh37 (hg19) VCF-style: chr17-7906443-G-GC.
Other names: NM_000180.4:c.82dup; short protein forms R28fs.
Identifiers: ClinVar variation 3602094 (VCV003602094.1).